The following is an entry in ClinVar:

ClinVar aggregate classification (germline): Likely benign (0 of 4 stars; one submission).

Conditions:
RIMS3-related disorder. Also called: RIMS3-related condition.

Allele frequency attached by ClinVar (database versions not stated): gnomAD 0.00004; gnomAD exomes 0.00005; TOPMed 0.00005; ExAC 0.00010; 1000 Genomes Project 30x 0.00031; ESP Exome Variant Server 0.00031.
gnomAD v4.1: 78 of 1,609,746 alleles (0.0048%); highest among the groups gnomAD compares: South Asian, 0.054%; no homozygotes.

Submission:

PreventionGenetics, part of Exact Sciences
Classification: Likely benign for RIMS3-related condition. Last evaluated: 2019-06-21. Review status: no assertion criteria provided. Collection method: clinical testing. Allele origin: germline.
Comment: This variant is classified as likely benign based on ACMG/AMP sequence variant interpretation guidelines (Richards et al. 2015 PMID: 25741868, with internal and published modifications).

NM_014747.3(RIMS3):c.276G>A (p.Ala92=)

Gene: RIMS3 (regulating synaptic membrane exocytosis 3; minus strand). Cytogenetic location: 1p34.2.
Variant type: single nucleotide variant.
Coding change: c.276G>A on transcript NM_014747.3 (MANE Select); coding-DNA position 276, G replaced by A.
Protein change: p.Ala92=; no amino-acid change (alanine 92 retained).
Molecular consequence: synonymous variant.
Genome position (GRCh38, 1-based): chr1:40,635,999, C>T on the plus strand (G>A on the coding strand, the complement: RIMS3 is on the minus strand). VCF-style: chr1-40635999-C-T. GRCh37 (hg19) VCF-style: chr1-41101671-C-T.
Identifiers: ClinVar variation 3043204 (VCV003043204.2), dbSNP rs151083231, ClinGen allele CA793895.